The following is an entry in ClinVar:

NM_006059.4(LAMC3):c.1745T>G (p.Leu582Trp)

Genes: LAMC3 (laminin subunit gamma 3; plus strand), LOC126860777 (BRD4-independent group 4 enhancer GRCh37_chr9:133927058-133928257; plus strand). Cytogenetic location: 9q34.12.
Variant type: single nucleotide variant.
Coding change: c.1745T>G on transcript NM_006059.4 (MANE Select); coding-DNA position 1745, T replaced by G.
Protein change: p.Leu582Trp; replaces leucine 582 with tryptophan.
Molecular consequence: missense variant.
Genome position (GRCh38, 1-based): chr9:131,052,605, T>G. VCF-style: chr9-131052605-T-G. GRCh37 (hg19) VCF-style: chr9-133927992-T-G.
Other names: short protein forms L582W.
Identifiers: ClinVar variation 1475249 (VCV001475249.5), dbSNP rs373106726, ClinGen allele CA5287185.

ClinVar aggregate classification (germline): Uncertain significance (1 of 4 stars; one submission).

Allele frequency attached by ClinVar (database versions not stated): gnomAD exomes below 0.00001; ExAC 0.00001; gnomAD 0.00002; TOPMed 0.00003; ESP Exome Variant Server 0.00008.
gnomAD v4.1: 4 of 1,613,630 alleles (0.00025%); highest among the groups gnomAD compares: Admixed American, 0.0033%; no homozygotes.

Submission:

Labcorp Genetics (formerly Invitae), Labcorp
Classification: Uncertain significance. Last evaluated: 2021-08-14. Review status: criteria provided, single submitter. Criteria: Invitae Variant Classification Sherloc (09022015). Collection method: clinical testing. Allele origin: germline.
Comment: This sequence change replaces leucine with tryptophan at codon 582 of the LAMC3 protein (p.Leu582Trp). The leucine residue is moderately conserved and there is a small physicochemical difference between leucine and tryptophan. This variant is present in population databases (rs373106726, ExAC 0.01%). This variant has not been reported in the literature in individuals affected with LAMC3-related conditions. Algorithms developed to predict the effect of missense changes on protein structure and function are either unavailable or do not agree on the potential impact of this missense change (SIFT: "Tolerated"; PolyPhen-2: "Probably Damaging"; Align-GVGD: "Class C0"). In summary, the available evidence is currently insufficient to determine the role of this variant in disease. Therefore, it has been classified as a Variant of Uncertain Significance.